The following is an entry in ClinVar:

ClinVar aggregate classification (germline): Uncertain significance (1 of 4 stars; one submission).

Conditions:
INVS-related disorder. Also called: INVS-related condition.

Submission:

PreventionGenetics, part of Exact Sciences
Classification: Uncertain significance for INVS-related condition. Last evaluated: 2026-04-07. Review status: criteria provided, single submitter. Criteria: ACMG Guidelines, 2015. Collection method: clinical testing. Allele origin: germline.
Comment: The INVS c.38_40delCAT variant is predicted to result in an in-frame deletion (p.Ser13del). To our knowledge, this variant has not been reported in the literature or in a large population database (gnomAD), indicating this variant is rare. At this time, the clinical significance of this variant is uncertain due to the absence of conclusive functional and genetic evidence.

NM_014425.5(INVS):c.35CAT[1] (p.Ser13del)

Gene: INVS (inversin; plus strand). Cytogenetic location: 9q31.1.
Variant type: Microsatellite.
Coding change: c.35CAT[1] on transcript NM_014425.5 (MANE Select); one copy of the 3-base unit CAT starting at c.35; the reference has two copies in a row; one copy, 3 bases deleted.
Protein change: p.Ser13del; deletes serine 13.
Molecular consequence: inframe deletion. On other transcripts: 5 prime UTR variant (2), non-coding transcript variant (1).
Genome position (GRCh38, 1-based): chr9:100,104,559-100,104,561, CAT deleted; deleting any 3 consecutive bases within chr9:100,104,555-100,104,561 gives the same sequence; the position shown is the placement nearest the transcript's 3' end. VCF-style (leftmost placement, unchanged base first): chr9-100104554-TTCA-T. GRCh37 (hg19) VCF-style: chr9-102866836-TTCA-T.
Other names: c.-342CAT[1] (NM_001318381.2); c.-955CAT[1] (NM_001318382.2); short protein forms S13del.
Identifiers: ClinVar variation 4996073 (VCV004996073.1).